The following is an entry in ClinVar:

ClinVar aggregate classification (germline): Uncertain significance. Review status: criteria provided, multiple submitters, no conflicts (2 of 4 stars). 2 submissions from 2 submitters: Uncertain significance (2). Last evaluated 2025-09-18.

Conditions:
Developmental and epileptic encephalopathy, 42 (DEE42A). Also called: DEVELOPMENTAL AND EPILEPTIC ENCEPHALOPATHY 42A; EPILEPTIC ENCEPHALOPATHY, EARLY INFANTILE, 42A; Epileptic encephalopathy, early infantile, 42. Identifiers: MedGen C4310716, MONDO:0014917, OMIM 617106.

gnomAD v4.1: 15 of 1,388,480 alleles (0.0011%); highest among the groups gnomAD compares: South Asian, 0.021%; no homozygotes.

Submissions (2):

Navigene Genetic Science Pvt Ltd
Classification: Uncertain significance for Developmental and epileptic encephalopathy, 42. Last evaluated: 2025-09-18. Review status: criteria provided, single submitter. Criteria: ACMG Guidelines, 2015. Collection method: clinical testing. Allele origin: germline. Affected: yes.
Comment: Classified as a Uncertain Significance based on ACMG 2015 guidelines : PM2,PP2

Neuberg Centre For Genomic Medicine, NCGM
Classification: Uncertain significance for Developmental and epileptic encephalopathy, 42. Last evaluated: 2023-06-22. Review status: criteria provided, single submitter. Criteria: ACMG Guidelines, 2015. Collection method: clinical testing. Allele origin: germline. Inheritance: Autosomal dominant inheritance. Affected: yes.
Comment: The observed missense c.7055A>G(p.Asp2352Gly) variant in CACNA1A gene has not been reported previously as a pathogenic variant nor as a benign variant, to our knowledge. This variant is reported with the allele frequency of 0% in the gnomAD Exomes. The amino acid Asp at position 2352 is changed to a Gly changing protein sequence and it might alter its composition and physico-chemical properties. The amino acid change p.Asp2352Gly in CACNA1A is predicted as conserved by GERP++ and PhyloP across 100 vertebrates. Computational evidence (Polyphen - Not available, SIFT - Tolerated, and MutationTaster - Polymorphism) predicts conflicting evidence on protein structure and function for this variant. For these reasons, this variant has been classified as Uncertain Significance.

NM_001127222.2(CACNA1A):c.7055A>G (p.Asp2352Gly)

Gene: CACNA1A (calcium voltage-gated channel subunit alpha1 A; minus strand). Cytogenetic location: 19p13.13.
Variant type: single nucleotide variant.
Coding change: c.7055A>G on transcript NM_001127222.2 (MANE Select); coding-DNA position 7055, A replaced by G.
Protein change: p.Asp2352Gly; replaces aspartic acid 2352 with glycine.
Molecular consequence: missense variant. On other transcripts: 3 prime UTR variant (3).
Genome position (GRCh38, 1-based): chr19:13,207,779, T>C on the plus strand (A>G on the coding strand, the complement: CACNA1A is on the minus strand). VCF-style: chr19-13207779-T-C. GRCh37 (hg19) VCF-style: chr19-13318593-T-C.
Other names: c.*267A>G (NM_000068.4, NM_001127221.2, NM_001174080.2); c.7073A>G, p.Asp2358Gly (NM_023035.3); short protein forms D2352G, D2358G.
Identifiers: ClinVar variation 3377617 (VCV003377617.3).
Genomic context (GRCh38, chr19:13,207,779, plus strand): 5'-GGGACCCGCCTCTCCATCCTGGGCGAGCGGCCGCTGCTGTGGCCCCCCGTGGGCGGCCGA[T>C]CTCCGGCCAGAGGCTCGGCCGTGGGGCCTGGGTACCTCCGAGGGCCGCTGGTGGCCGCCC-3'
Protein context (NP_001120694.1, residues 2342-2362): PGPTAEPLAG[Asp2352Gly]RPPTGGHSSG